The following is an entry in ClinVar:

ClinVar aggregate classification (germline): Uncertain significance (1 of 4 stars; one submission).

Conditions:
MAGEL2-related disorder. Also called: MAGEL2-related condition.

gnomAD v4.1: 5 of 1,613,946 alleles (0.00031%); highest among the groups gnomAD compares: African/African-American, 0.0067%; no homozygotes.

Submission:

PreventionGenetics, part of Exact Sciences
Classification: Uncertain significance for MAGEL2-related condition. Last evaluated: 2025-11-17. Review status: criteria provided, single submitter. Criteria: ACMG Guidelines, 2015. Collection method: clinical testing. Allele origin: germline.
Comment: The MAGEL2 c.2404A>G variant is predicted to result in the amino acid substitution p.Asn802Asp. To our knowledge, this variant has not been reported in the literature. This variant is reported in 0.0065% of alleles in individuals of African descent in gnomAD. At this time, the clinical significance of this variant is uncertain due to the absence of conclusive functional and genetic evidence.

NM_019066.5(MAGEL2):c.2404A>G (p.Asn802Asp)

Gene: MAGEL2 (MAGE family member L2; minus strand). Cytogenetic location: 15q11.2.
Variant type: single nucleotide variant.
Coding change: c.2404A>G on transcript NM_019066.5 (MANE Select); coding-DNA position 2404, A replaced by G.
Protein change: p.Asn802Asp; replaces asparagine 802 with aspartic acid.
Molecular consequence: missense variant.
Genome position (GRCh38, 1-based): chr15:23,645,339, T>C on the plus strand (A>G on the coding strand, the complement: MAGEL2 is on the minus strand). VCF-style: chr15-23645339-T-C. GRCh37 (hg19) VCF-style: chr15-23890486-T-C.
Other names: short protein forms N802D.
Identifiers: ClinVar variation 4996519 (VCV004996519.1).